The following is an entry in ClinVar:

NC_000019.9:g.(?_852319)_(1226656_?)del

Genes: ABCA7 (ATP binding cassette subfamily A member 7; plus strand), ARHGAP45 (Rho GTPase activating protein 45; plus strand), ARID3A (AT-rich interaction domain 3A; plus strand), CFD (complement factor D; plus strand), CNN2 (calponin 2; plus strand) and 11 more. Cytogenetic location: 19p13.3.
Variant type: Deletion.
Identifiers: ClinVar variation 833462 (VCV000833462.1).

ClinVar aggregate classification (germline): Pathogenic (1 of 4 stars; one submission).

Conditions:
Peutz-Jeghers syndrome (PJS). Also called: Peutz-Jeghers polyposis; Periorificial lentiginosis syndrome; POLYPOSIS, HAMARTOMATOUS INTESTINAL; POLYPS-AND-SPOTS SYNDROME. Identifiers: Orphanet 2869, MedGen C0031269, MeSH D010580, MONDO:0008280, OMIM 175200.

Submission:

Labcorp Genetics (formerly Invitae), Labcorp
Classification: Pathogenic for Peutz-Jeghers syndrome. Last evaluated: 2019-04-01. Review status: criteria provided, single submitter. Criteria: Invitae Variant Classification Sherloc (09022015). Collection method: clinical testing. Allele origin: germline.
Comment: A gross deletion of the genomic region encompassing the full coding sequence of the STK11 gene has been identified. The boundaries of this event are unknown as the deletion extends beyond the assayed region for this gene and therefore may encompass additional genes. Large deletions involving the STK11 gene account for about 30% of the Peutz Jeghers syndrome (PJS) cases (PMID: 20623358). Whole gene deletions of STK11 have been reported in several individuals affected with PJS (PMID: 23399955, 17924967, 16287113, 22382802, 16648371, Invitae) Loss-of-function variants in STK11 are known to be pathogenic (PMID: 15188174, 16287113). For these reasons, this variant has been classified as Pathogenic.

Literature cited by the submitters: PubMed 16648371; PubMed 16287113; PubMed 17924967; PubMed 22382802; PubMed 23399955; PubMed 20623358.